The following is an entry in ClinVar:

ClinVar aggregate classification (germline): Likely pathogenic. Review status: criteria provided, multiple submitters, no conflicts (2 of 4 stars). 2 submissions from 2 submitters: Likely pathogenic (2). Last evaluated 2025-02-10.

Conditions:
Thyroid dyshormonogenesis 6 (TDH6). Also called: HYPOTHYROIDISM, CONGENITAL, DUE TO DYSHORMONOGENESIS, 6; THYROID HORMONOGENESIS, GENETIC DEFECT IN, 6; Genetic transient congenital hypothyroidism. Identifiers: Orphanet 226316, Orphanet 95716, MedGen C1846632, MONDO:0011792, OMIM 607200.

gnomAD v4.1: 3 of 1,614,166 alleles (0.00019%); highest among the groups gnomAD compares: South Asian, 0.0033%; no homozygotes.

Submissions (2):

Women's Health and Genetics/Laboratory Corporation of America, LabCorp
Classification: Likely pathogenic for Thyroid dyshormonogenesis 6. Last evaluated: 2025-02-10. Review status: criteria provided, single submitter. Criteria: LabCorp Variant Classification Summary - May 2015. Collection method: clinical testing. Allele origin: germline.
Comment: Variant summary: DUOX2 c.4537G>C (p.Gly1513Arg) results in a non-conservative amino acid change located in the Ferredoxin reductase-like, C-terminal NADP-linked domain (IPR039261) of the encoded protein sequence. Five of five in-silico tools predict a damaging effect of the variant on protein function. The variant was absent in 249632 control chromosomes. c.4537G>C has been reported in the presumed compound heterozygous state in the literature in multiple individuals affected with clinical features of Thyroid Dyshormonogenesis 6 (example, Chen_2018, Sun_2021, Ye_2023). These data indicate that the variant is likely to be associated with disease. At least one publication reports experimental evidence evaluating an impact on protein function. The most pronounced variant effect results in >50%-90% of normal activity in vitro (example, Sun_2021). The following publications have been ascertained in the context of this evaluation (PMID: 30154845, 36207832, 34564849, 32425884, 37252044, 34374102). No submitters have cited clinical-significance assessments for this variant to ClinVar. Based on the evidence outlined above, the variant was classified as likely pathogenic.

Juno Genomics, Hangzhou Juno Genomics, Inc
Classification: Likely pathogenic for Thyroid dyshormonogenesis 6. Review status: criteria provided, single submitter. Criteria: ACMG Guidelines, 2015. Collection method: clinical testing. Allele origin: germline.
Comment: Absent from controls (or at extremely low frequency if recessive) in Genome Aggregation Database.;Multiple lines of computational evidence support a deleterious effect on the gene or gene product.;For recessive disorders, detected in trans with a pathogenic variant.;Patient's phenotype or family history is highly specific for a disease with a single genetic etiology.

Literature cited by the submitters: PubMed 30154845 (cited by Women's Health and Genetics/Laboratory Corporation of America, LabCorp); PubMed 32425884 (cited by Women's Health and Genetics/Laboratory Corporation of America, LabCorp); PubMed 34564849 (cited by Women's Health and Genetics/Laboratory Corporation of America, LabCorp); PubMed 34374102 (cited by Women's Health and Genetics/Laboratory Corporation of America, LabCorp); PubMed 36207832 (cited by Women's Health and Genetics/Laboratory Corporation of America, LabCorp); PubMed 37252044 (cited by Women's Health and Genetics/Laboratory Corporation of America, LabCorp).

NM_001363711.2(DUOX2):c.4537G>C (p.Gly1513Arg)

Gene: DUOX2 (dual oxidase 2; minus strand). Cytogenetic location: 15q21.1.
Variant type: single nucleotide variant.
Coding change: c.4537G>C on transcript NM_001363711.2 (MANE Select); coding-DNA position 4537, G replaced by C.
Protein change: p.Gly1513Arg; replaces glycine 1513 with arginine.
Molecular consequence: missense variant.
Genome position (GRCh38, 1-based): chr15:45,094,260, C>G on the plus strand (G>C on the coding strand, the complement: DUOX2 is on the minus strand). VCF-style: chr15-45094260-C-G. GRCh37 (hg19) VCF-style: chr15-45386458-C-G.
Other names: c.4537G>C, p.Gly1513Arg (NM_014080.5); short protein forms G1513R.
Identifiers: ClinVar variation 3768641 (VCV003768641.3).